The following is an entry in ClinVar:

ClinVar aggregate classification (germline): Uncertain significance (1 of 4 stars; one submission).

Conditions:
Charcot-Marie-Tooth disease type 2. Also called: Charcot-Marie-Tooth type 2. Identifiers: Orphanet 64746, MedGen C0270914, MONDO:0018993.

Submission:

Labcorp Genetics (formerly Invitae), Labcorp
Classification: Uncertain significance for Charcot-Marie-Tooth disease type 2. Last evaluated: 2025-08-18. Review status: criteria provided, single submitter. Criteria: Invitae Variant Classification Sherloc (09022015). Collection method: clinical testing. Allele origin: germline.
Comment: This sequence change replaces tyrosine, which is neutral and polar, with asparagine, which is neutral and polar, at codon 81 of the LMNA protein (p.Tyr81Asn). This variant is not present in population databases (gnomAD no frequency). This variant has not been reported in the literature in individuals affected with LMNA-related conditions. Invitae Evidence Modeling of protein sequence and biophysical properties (such as structural, functional, and spatial information, amino acid conservation, physicochemical variation, residue mobility, and thermodynamic stability) indicates that this missense variant is expected to disrupt LMNA protein function with a positive predictive value of 95%. In summary, the available evidence is currently insufficient to determine the role of this variant in disease. Therefore, it has been classified as a Variant of Uncertain Significance.

NM_170707.4(LMNA):c.241T>A (p.Tyr81Asn)

Gene: LMNA (lamin A/C; plus strand). Cytogenetic location: 1q22.
Variant type: single nucleotide variant.
Coding change: c.241T>A on transcript NM_170707.4 (MANE Select); coding-DNA position 241, T replaced by A.
Protein change: p.Tyr81Asn; replaces tyrosine 81 with asparagine.
Molecular consequence: missense variant. On other transcripts: 5 prime UTR variant (8), intron variant (2).
Genome position (GRCh38, 1-based): chr1:156,115,159, T>A. VCF-style: chr1-156115159-T-A. GRCh37 (hg19) VCF-style: chr1-156084950-T-A.
Other names: c.241T>A, p.Tyr81Asn (NM_001282625.2, NM_001282626.2, NM_001406983.1 and 6 more transcripts); c.-183T>A (NM_001406986.1); c.-161T>A (NM_001406990.1, NM_001406995.1, NM_001407002.1); c.-424T>A (NM_001406994.1, NM_001407000.1); c.-604T>A (NM_001406999.1); c.-267T>A (NM_001407001.1); c.-203+8336T>A (NM_001406993.1, NM_001407003.1); short protein forms Y81N.
Identifiers: ClinVar variation 4799952 (VCV004799952.1).